The following is an entry in ClinVar:

ClinVar aggregate classification (germline): Conflicting classifications of pathogenicity. Review status: criteria provided, conflicting classifications (1 of 4 stars). 2 submissions from 2 submitters: Likely pathogenic (1); Uncertain significance (1). Last evaluated 2020-12-28.

Conditions:
Cardiovascular phenotype. Identifiers: MedGen CN230736.
Long QT syndrome (LQTS). Identifiers: MedGen C0023976, MeSH D008133, MONDO:0002442. Disease mechanism: loss of function. Inheritance: Various modes of inheritance.

Submissions (2):

Ambry Genetics
Classification: Likely pathogenic for Cardiovascular phenotype. Last evaluated: 2020-12-28. Review status: criteria provided, single submitter. Criteria: Ambry Variant Classification Scheme 2023. Collection method: clinical testing. Allele origin: germline.
Comment: The p.L342H variant (also known as c.1025T>A), located in coding exon 7 of the KCNQ1 gene, results from a T to A substitution at nucleotide position 1025. The leucine at codon 342 is replaced by histidine, an amino acid with similar properties, and is located in the S6 transmembrane region. Another likely pathogenic variant affecting this codon (p.L342F, c.1024C>T) has been reported in association with long QT syndrome (Donger C et al. Circulation. 1997;96:2778-81; Hedley PL et al. Cardiovasc J Afr. 2013;24:231-7). Based on internal structural analysis, p.L342H is predicted to destabilize the local protein structure. This variant was not reported in population-based cohorts in the Genome Aggregation Database (gnomAD). This amino acid position is highly conserved in available vertebrate species. In addition, this alteration is predicted to be deleterious by in silico analysis. Based on the majority of available evidence to date, this variant is likely to be pathogenic.

Labcorp Genetics (formerly Invitae), Labcorp
Classification: Uncertain significance for Long QT syndrome. Last evaluated: 2017-06-12. Review status: criteria provided, single submitter. Criteria: Invitae Variant Classification Sherloc (09022015). Collection method: clinical testing. Allele origin: germline.
Comment: In summary, this variant is a novel missense change with uncertain impact on protein function. It has been classified as a Variant of Uncertain Significance. Algorithms developed to predict the effect of missense changes on protein structure and function (SIFT, PolyPhen-2, Align-GVGD) all suggest that this variant is likely to be disruptive, but these predictions have not been confirmed by published functional studies. This variant identified in the KCNQ1 gene is located in the transmembrane S6 region of the resulting protein (PMID: 19841300, 25348405). It is unclear how this variant impacts the function of this protein. This variant has not been reported in the literature in individuals with a KCNQ1-related disease. ClinVar contains an entry for this variant (Variation ID: 405269). This variant is not present in population databases (ExAC no frequency). This sequence change replaces leucine with histidine at codon 342 of the KCNQ1 protein (p.Leu342His). The leucine residue is highly conserved and there is a moderate physicochemical difference between leucine and histidine.

Literature cited by the submitters: PubMed 19841300 (cited by Labcorp Genetics (formerly Invitae), Labcorp); PubMed 25348405 (cited by Labcorp Genetics (formerly Invitae), Labcorp).

NM_000218.3(KCNQ1):c.1025T>A (p.Leu342His)

Gene: KCNQ1 (potassium voltage-gated channel subfamily Q member 1; plus strand). Cytogenetic location: 11p15.5.
Variant type: single nucleotide variant.
Coding change: c.1025T>A on transcript NM_000218.3 (MANE Select); coding-DNA position 1025, T replaced by A.
Protein change: p.Leu342His; replaces leucine 342 with histidine.
Molecular consequence: missense variant.
Genome position (GRCh38, 1-based): chr11:2,583,538, T>A. VCF-style: chr11-2583538-T-A. GRCh37 (hg19) VCF-style: chr11-2604768-T-A.
Other names: c.1025T>A, p.Leu342His (NM_001406836.1); c.755T>A, p.Leu252His (NM_001406837.1); c.581T>A, p.Leu194His (NM_001406838.1); c.644T>A, p.Leu215His (NM_181798.2); short protein forms L342H, L215H, L252H, L194H.
Identifiers: ClinVar variation 405269 (VCV000405269.12), dbSNP rs794728522, ClinGen allele CA16613516.